The following is an entry in ClinVar:

ClinVar aggregate classification (germline): Uncertain significance (1 of 4 stars; one submission).

Conditions:
Developmental and epileptic encephalopathy, 36 (DEE36). Also called: Epileptic encephalopathy, early infantile, 36; ALG13-CDG; Congenital disorder of glycosylation, type Is. Identifiers: Orphanet 324422, MedGen C4317295, MONDO:0010472, OMIM 300884.

Allele frequency attached by ClinVar (database versions not stated): gnomAD exomes below 0.00001.
gnomAD v4.1: 2 of 1,211,148 alleles (0.00017%); highest among the groups gnomAD compares: Non-Finnish European, 0.00022%; no homozygotes.

Submission:

Labcorp Genetics (formerly Invitae), Labcorp
Classification: Uncertain significance for Developmental and epileptic encephalopathy, 36. Last evaluated: 2023-05-22. Review status: criteria provided, single submitter. Criteria: Invitae Variant Classification Sherloc (09022015). Collection method: clinical testing. Allele origin: germline.
Comment: This variant is not present in population databases (gnomAD no frequency). This sequence change replaces proline, which is neutral and non-polar, with alanine, which is neutral and non-polar, at codon 649 of the ALG13 protein (p.Pro649Ala). This variant has not been reported in the literature in individuals affected with ALG13-related conditions. ClinVar contains an entry for this variant (Variation ID: 2114824). Advanced modeling of protein sequence and biophysical properties (such as structural, functional, and spatial information, amino acid conservation, physicochemical variation, residue mobility, and thermodynamic stability) performed at Invitae indicates that this missense variant is not expected to disrupt ALG13 protein function. In summary, the available evidence is currently insufficient to determine the role of this variant in disease. Therefore, it has been classified as a Variant of Uncertain Significance.

NM_001099922.3(ALG13):c.1945C>G (p.Pro649Ala)

Gene: ALG13 (ALG13 UDP-N-acetylglucosaminyltransferase subunit; plus strand). Cytogenetic location: Xq23.
Variant type: single nucleotide variant.
Coding change: c.1945C>G on transcript NM_001099922.3 (MANE Select); coding-DNA position 1945, C replaced by G.
Protein change: p.Pro649Ala; replaces proline 649 with alanine.
Molecular consequence: missense variant. On other transcripts: non-coding transcript variant (1).
Genome position (GRCh38, 1-based): chrX:111,727,024, C>G. VCF-style: chrX-111727024-C-G. GRCh37 (hg19) VCF-style: chrX-110970252-C-G.
Other names: c.1633C>G, p.Pro545Ala (NM_001257230.2, NM_001257234.2, NM_001257237.2); c.1711C>G, p.Pro571Ala (NM_001257231.2); c.1945C>G, p.Pro649Ala (NM_001324292.2); c.1459C>G, p.Pro487Ala (NM_001324293.1); short protein forms P649A, P487A, P571A, P545A.
Identifiers: ClinVar variation 2114824 (VCV002114824.4), dbSNP rs2525937840, ClinGen allele CA414252898.